The following is an entry in ClinVar:

NM_014244.5(ADAMTS2):c.2980G>A (p.Gly994Ser)

Gene: ADAMTS2 (ADAM metallopeptidase with thrombospondin type 1 motif 2; minus strand). Cytogenetic location: 5q35.3.
Variant type: single nucleotide variant.
Coding change: c.2980G>A on transcript NM_014244.5 (MANE Select); coding-DNA position 2980, G replaced by A.
Protein change: p.Gly994Ser; replaces glycine 994 with serine.
Molecular consequence: missense variant.
Genome position (GRCh38, 1-based): chr5:179,122,752, C>T on the plus strand (G>A on the coding strand, the complement: ADAMTS2 is on the minus strand). VCF-style: chr5-179122752-C-T. GRCh37 (hg19) VCF-style: chr5-178549753-C-T.
Other names: short protein forms G994S.
Identifiers: ClinVar variation 353092 (VCV000353092.17), dbSNP rs142429109, ClinGen allele CA3595339.

ClinVar aggregate classification (germline): Uncertain significance. Review status: criteria provided, multiple submitters, no conflicts (2 of 4 stars). 5 submissions from 5 submitters: Uncertain significance (4). 1 of the submissions does not count toward it. Last evaluated 2025-12-08.

Conditions:
Ehlers-Danlos syndrome, dermatosparaxis type. Also called: EDS VIIC; Dermatosparaxis; Ehlers-Danlos syndrome, type VII, autosomal recessive. Identifiers: Orphanet 1901, MedGen C2700425, MONDO:0009161, OMIM 225410.

Allele frequency attached by ClinVar (database versions not stated): gnomAD 0.00001 and 0.00002; TOPMed 0.00001; gnomAD exomes 0.00002 and 0.00003; ExAC 0.00005; ESP Exome Variant Server 0.00008; 1000 Genomes Project 30x 0.00016; 1000 Genomes Project 0.00020.

Submissions (5):

GeneDx
Classification: Uncertain significance. Last evaluated: 2025-12-08. Review status: criteria provided, single submitter. Criteria: GeneDx Variant Classification Process June 2021. Collection method: clinical testing. Allele origin: germline. Affected: yes.
Comment: Not observed at significant frequency in large population cohorts (gnomAD); In silico analysis supports that this missense variant has a deleterious effect on protein structure/function; Has not been previously published as pathogenic or benign to our knowledge; In silico analysis is inconclusive as to whether the variant alters gene splicing. In the absence of RNA/functional studies, the actual effect of this sequence change is unknown.

Labcorp Genetics (formerly Invitae), Labcorp
Classification: Uncertain significance for Ehlers-Danlos syndrome, dermatosparaxis type. Last evaluated: 2022-07-05. Review status: criteria provided, single submitter. Criteria: Invitae Variant Classification Sherloc (09022015). Collection method: clinical testing. Allele origin: germline.
Comment: This sequence change replaces glycine, which is neutral and non-polar, with serine, which is neutral and polar, at codon 994 of the ADAMTS2 protein (p.Gly994Ser). The frequency data for this variant in the population databases is considered unreliable, as metrics indicate poor data quality at this position in the gnomAD database. This variant has not been reported in the literature in individuals affected with ADAMTS2-related conditions. ClinVar contains an entry for this variant (Variation ID: 353092). Algorithms developed to predict the effect of missense changes on protein structure and function (SIFT, PolyPhen-2, Align-GVGD) all suggest that this variant is likely to be disruptive. Algorithms developed to predict the effect of sequence changes on RNA splicing suggest that this variant may disrupt the consensus splice site. In summary, the available evidence is currently insufficient to determine the role of this variant in disease. Therefore, it has been classified as a Variant of Uncertain Significance.

Baylor Genetics
Classification: Uncertain significance for Ehlers-Danlos syndrome, dermatosparaxis type. Last evaluated: 2018-12-04. Review status: criteria provided, single submitter. Criteria: ACMG Guidelines, 2015. Collection method: clinical testing. Allele origin: unknown. Affected: yes.
Comment: This variant was determined to be of uncertain significance according to ACMG Guidelines, 2015 [PMID:25741868].

Illumina Laboratory Services, Illumina
Classification: Uncertain significance for Ehlers-Danlos syndrome, dermatosparaxis type. Last evaluated: 2018-01-12. Review status: criteria provided, single submitter. Criteria: ICSL Variant Classification Criteria 13 December 2019. Collection method: clinical testing. Allele origin: germline.

Natera, Inc.
Classification: Uncertain significance for Ehlers-Danlos syndrome type VIIC. Last evaluated: 2020-09-18. Review status: no assertion criteria provided. Collection method: clinical testing. Allele origin: germline. Not counted in ClinVar's aggregate classification.